The following is an entry in ClinVar:

ClinVar aggregate classification (germline): Pathogenic. Review status: no assertion criteria provided (0 of 4 stars). 2 submissions from 2 submitters: Pathogenic (1). 1 of the submissions does not count toward it. Last evaluated 2003-02-01.

Conditions:
Fanconi anemia complementation group G. Also called: FANCG-Related Fanconi Anemia; Fanconi anemia group G. Identifiers: Orphanet 84, MedGen C3469527, MONDO:0013565, OMIM 614082.

Submissions (2):

OMIM
Classification: Pathogenic for FANCONI ANEMIA, COMPLEMENTATION GROUP G. Last evaluated: 2003-02-01. Review status: no assertion criteria provided. Collection method: literature only. Allele origin: germline.

GeneReviews
No classification provided. Condition: Fanconi anemia complementation group G. Review status: no classification provided. Collection method: literature only. Allele origin: germline. Not counted in ClinVar's aggregate classification.
Comment: Common in Brazil & northern Europeans

Literature cited by the submitters: PubMed 12552564 (cited by OMIM); NCBI Bookshelf NBK1401 (cited by GeneReviews); PubMed 20301575 (cited by GeneReviews).

NM_004629.2(FANCG):c.925-2A>G

Gene: FANCG (FA complementation group G; minus strand). Cytogenetic location: 9p13.3.
Variant type: single nucleotide variant.
Coding change: c.925-2A>G on transcript NM_004629.2 (MANE Select); the canonical splice acceptor site of the intron before coding-DNA position 925, A replaced by G.
Molecular consequence: splice acceptor variant.
Genome position (GRCh38, 1-based): chr9:35,076,585, T>C on the plus strand (A>G on the coding strand, the complement: FANCG is on the minus strand). VCF-style: chr9-35076585-T-C. GRCh37 (hg19) VCF-style: chr9-35076582-T-C.
Other names: IVS8-2A>G; IVS8AS, A-G, -2.
Identifiers: ClinVar variation 6716 (VCV000006716.4), dbSNP rs397507561, ClinGen allele CA340605.
Genomic context (GRCh38, chr9:35,076,585, plus strand): 5'-AGTAATTCTACCTCAATGAGAAACTGCGGGGCTTTGGAACTGCATGGGACATTCAAGGCC[T>C]AAAAGAGAAAGAAAAAAATTGTATCTATAATCTTTGGGAGCCATACTTCCTTATACTTGG-3'